The following is an entry in ClinVar:

NM_013275.6(ANKRD11):c.1486_1487del (p.Leu496fs)

Gene: ANKRD11 (ankyrin repeat domain 11; minus strand). Cytogenetic location: 16q24.3.
Variant type: Microsatellite.
Coding change: c.1486_1487del on transcript NM_013275.6 (MANE Select); coding-DNA positions 1486 to 1487, 2 bases deleted (CT; older notation c.1486_1487delCT).
Protein change: p.Leu496fs; shifts the reading frame from leucine 496.
Molecular consequence: frameshift variant.
Genome position (GRCh38, 1-based): chr16:89,285,055-89,285,056, AG deleted on the plus strand (CT on the coding strand, the reverse complement: ANKRD11 is on the minus strand); deleting any 2 consecutive bases within chr16:89,285,055-89,285,060 gives the same sequence; the c. name uses the placement nearest the transcript's 3' end. VCF-style (leftmost placement, unchanged base first): chr16-89285054-CAG-C. GRCh37 (hg19) VCF-style: chr16-89351462-CAG-C.
Other names: c.1486_1487del, p.Leu496fs (NM_001256182.2, NM_001256183.2); short protein forms L496fs.
Identifiers: ClinVar variation 3773989 (VCV003773989.2).
Genomic context (GRCh38, chr16:89,285,054, plus strand): 5'-GCTGAACAGGGAGGGGTCCTTCAGCACCAGCGGGGACCCCTTGAGGCAGCCAGAGCTCCC[CAG>C]AGAGTCCCTGTCATCCTCCCCACTCTCTGAGGACTCGCTCTCCGACTCCGAGGAGCAGAA-3'

ClinVar aggregate classification (germline): Pathogenic (1 of 4 stars; one submission).

Submission:

GeneDx
Classification: Pathogenic. Last evaluated: 2026-06-18. Review status: criteria provided, single submitter. Criteria: GeneDx Variant Classification Process June 2021. Collection method: clinical testing. Allele origin: germline.
Comment: Frameshift variant predicted to result in protein truncation or nonsense mediated decay in a gene for which loss of function is a known mechanism of disease; Not observed at significant frequency in large population cohorts (gnomAD); Has not been previously published as pathogenic or benign to our knowledge